The following is an entry in ClinVar:

ClinVar aggregate classification (germline): Uncertain significance (1 of 4 stars; one submission).

Conditions:
Combined immunodeficiency due to LRBA deficiency. Also called: Common variable immunodeficiency 8, with autoimmunity. Identifiers: Orphanet 445018, MedGen C3553512, MONDO:0013863, OMIM 614700.

Allele frequency attached by ClinVar (database versions not stated): gnomAD exomes below 0.00001; TOPMed below 0.00001.
gnomAD v4.1: 1 of 1,613,282 alleles (0.000062%); highest among the groups gnomAD compares: Admixed American, 0.0017%; no homozygotes.

Submission:

Labcorp Genetics (formerly Invitae), Labcorp
Classification: Uncertain significance for Combined immunodeficiency due to LRBA deficiency. Last evaluated: 2022-11-22. Review status: criteria provided, single submitter. Criteria: Invitae Variant Classification Sherloc (09022015). Collection method: clinical testing. Allele origin: germline.
Comment: In summary, the available evidence is currently insufficient to determine the role of this variant in disease. Therefore, it has been classified as a Variant of Uncertain Significance. Advanced modeling of protein sequence and biophysical properties (such as structural, functional, and spatial information, amino acid conservation, physicochemical variation, residue mobility, and thermodynamic stability) performed at Invitae indicates that this missense variant is expected to disrupt LRBA protein function. This variant has not been reported in the literature in individuals affected with LRBA-related conditions. This variant is present in population databases (no rsID available, gnomAD 0.003%). This sequence change replaces leucine, which is neutral and non-polar, with serine, which is neutral and polar, at codon 1456 of the LRBA protein (p.Leu1456Ser).

NM_001364905.1(LRBA):c.4367T>C (p.Leu1456Ser)

Gene: LRBA (LPS responsive beige-like anchor protein; minus strand). Cytogenetic location: 4q31.3.
Variant type: single nucleotide variant.
Coding change: c.4367T>C on transcript NM_001364905.1 (MANE Select); coding-DNA position 4367, T replaced by C.
Protein change: p.Leu1456Ser; replaces leucine 1456 with serine.
Molecular consequence: missense variant.
Genome position (GRCh38, 1-based): chr4:150,844,752, A>G on the plus strand (T>C on the coding strand, the complement: LRBA is on the minus strand). VCF-style: chr4-150844752-A-G. GRCh37 (hg19) VCF-style: chr4-151765904-A-G.
Other names: c.4367T>C, p.Leu1456Ser (NM_001199282.3, NM_001367550.1, NM_006726.5); short protein forms L1456S.
Identifiers: ClinVar variation 1901737 (VCV001901737.3), dbSNP rs1340137833, ClinGen allele CA358450998.